The following is an entry in ClinVar:

ClinVar aggregate classification (germline): Conflicting classifications of pathogenicity. Review status: criteria provided, conflicting classifications (1 of 4 stars). 8 submissions from 8 submitters: Uncertain significance (6); Likely benign (2). Last evaluated 2026-02-11.

Conditions:
Hereditary cancer-predisposing syndrome. Also called: Tumor predisposition; Neoplastic Syndromes, Hereditary; Hereditary neoplastic syndrome; Hereditary Cancer Syndrome. Identifiers: Orphanet 140162, MedGen C0027672, MeSH D009386, MONDO:0015356.
Fanconi anemia complementation group C (FANCC). Also called: FANCONI PANCYTOPENIA, TYPE 3; FACC; Fanconi anemia, group C; FANCC-Related Fanconi Anemia. Identifiers: Orphanet 84, MedGen C3468041, MONDO:0009213, OMIM 227645.
Fanconi anemia (FA). Also called: Fanconi's anemia. Identifiers: Orphanet 84, MedGen C0015625, MeSH D005199, MONDO:0019391.

Allele frequency attached by ClinVar (database versions not stated): TOPMed 0.00001; gnomAD 0.00003 and 0.00004; gnomAD exomes 0.00004 and 0.00006; ExAC 0.00007.
gnomAD v4.1: 61 of 1,613,240 alleles (0.0038%); highest among the groups gnomAD compares: South Asian, 0.037%; no homozygotes.

Submissions (8):

St. Jude Molecular Pathology, St. Jude Children's Research Hospital
Classification: Uncertain significance for Fanconi anemia complementation group C. Last evaluated: 2026-02-11. Review status: criteria provided, single submitter. Criteria: St. Jude Assertion Criteria 2020. Collection method: clinical testing. Allele origin: germline.
Comment: The FANCC c.626G>A p.(Arg209His) missense change has a maximum subpopulation frequency of 0.026% in gnomAD v2.1.1. The in silico tool REVEL predicts a beni gn effect on protein function, but to our knowledge this prediction has not been confirmed by functional studies. To our knowledge, this variant has not been reported in individuals with Fanconi anemia. In summary, the evidence currently available is ins ufficient to determine the clinical significance of this variant. It has therefore been classified as of uncertain significance.

Quest Diagnostics Nichols Institute San Juan Capistrano
Classification: Uncertain significance. Last evaluated: 2025-09-29. Review status: criteria provided, single submitter. Criteria: Quest Diagnostics criteria. Collection method: clinical testing. Allele origin: unknown.
Comment: The FANCC c.626G>A (p.Arg209His) variant has been reported in a cohort of individuals with breast or ovarian cancer (PMID: 30306255 (2018)), and observed in additional individuals with breast cancer as well as in reportedly healthy individuals in a case-control study (PMID: 33471991 (2021), see LOVD). The frequency of this variant in the general population (Genome Aggregation Database) is uninformative in the assessment of its pathogenicity. Analysis of this variant using bioinformatics tools for the prediction of the effect of amino acid changes on protein structure and function yielded predictions that this variant is benign. Based on the available information, we are unable to determine the clinical significance of this variant.

GeneDx
Classification: Uncertain significance. Last evaluated: 2025-04-18. Review status: criteria provided, single submitter. Criteria: GeneDx Variant Classification Process June 2021. Collection method: clinical testing. Allele origin: germline. Affected: yes.
Comment: Has not been previously published as pathogenic or benign to our knowledge; In silico analysis indicates that this missense variant does not alter protein structure/function; This variant is associated with the following publications: (PMID: Gordon2000[Book])

Labcorp Genetics (formerly Invitae), Labcorp
Classification: Uncertain significance for Fanconi anemia. Last evaluated: 2024-10-24. Review status: criteria provided, single submitter. Criteria: Invitae Variant Classification Sherloc (09022015). Collection method: clinical testing. Allele origin: germline.
Comment: This sequence change replaces arginine, which is basic and polar, with histidine, which is basic and polar, at codon 209 of the FANCC protein (p.Arg209His). This variant is present in population databases (rs587778327, gnomAD 0.03%). This variant has not been reported in the literature in individuals affected with FANCC-related conditions. ClinVar contains an entry for this variant (Variation ID: 188350). Invitae Evidence Modeling of protein sequence and biophysical properties (such as structural, functional, and spatial information, amino acid conservation, physicochemical variation, residue mobility, and thermodynamic stability) indicates that this missense variant is not expected to disrupt FANCC protein function with a negative predictive value of 80%. In summary, the available evidence is currently insufficient to determine the role of this variant in disease. Therefore, it has been classified as a Variant of Uncertain Significance.

Blueprint Genetics
Classification: Likely benign. Last evaluated: 2024-04-20. Review status: criteria provided, single submitter. Criteria: ACMG Guidelines, 2015. Collection method: clinical testing. Allele origin: germline.

Fulgent Genetics
Classification: Uncertain significance for Fanconi anemia complementation group C. Last evaluated: 2024-04-03. Review status: criteria provided, single submitter. Criteria: ACMG Guidelines, 2015. Collection method: clinical testing. Allele origin: germline.

Revvity Omics, Revvity
Classification: Uncertain significance for Fanconi anemia complementation group C. Last evaluated: 2021-09-24. Review status: criteria provided, single submitter. Criteria: ACMG Guidelines, 2015. Collection method: clinical testing. Allele origin: germline.

Ambry Genetics
Classification: Likely benign for Hereditary cancer-predisposing syndrome. Last evaluated: 2018-06-01. Review status: criteria provided, single submitter. Criteria: Ambry Variant Classification Scheme 2023. Collection method: clinical testing. Allele origin: germline.

Literature cited by the submitters: PubMed 33471991 (cited by Quest Diagnostics Nichols Institute San Juan Capistrano); PubMed 30306255 (cited by Quest Diagnostics Nichols Institute San Juan Capistrano).

NM_000136.3(FANCC):c.626G>A (p.Arg209His)

Genes: AOPEP (aminopeptidase O (putative); plus strand), FANCC (FA complementation group C; minus strand). Cytogenetic location: 9q22.32.
Variant type: single nucleotide variant.
Coding change: c.626G>A on transcript NM_000136.3 (MANE Select); coding-DNA position 626, G replaced by A.
Protein change: p.Arg209His; replaces arginine 209 with histidine.
Molecular consequence: missense variant.
Genome position (GRCh38, 1-based): chr9:95,149,983, C>T on the plus strand (G>A on the coding strand, the complement: FANCC is on the minus strand). VCF-style: chr9-95149983-C-T. GRCh37 (hg19) VCF-style: chr9-97912265-C-T.
Other names: c.626G>A, p.Arg209His (NM_001243743.2, NM_001243744.2); short protein forms R209H.
Identifiers: ClinVar variation 188350 (VCV000188350.21), dbSNP rs587778327, ClinGen allele CA334694.